The following is an entry in ClinVar:

NM_006096.4(NDRG1):c.1085G>A (p.Ser362Asn)

Gene: NDRG1 (N-myc downstream regulated 1; minus strand). Cytogenetic location: 8q24.22.
Variant type: single nucleotide variant.
Coding change: c.1085G>A on transcript NM_006096.4 (MANE Select); coding-DNA position 1085, G replaced by A.
Protein change: p.Ser362Asn; replaces serine 362 with asparagine.
Molecular consequence: missense variant.
Genome position (GRCh38, 1-based): chr8:133,238,978, C>T on the plus strand (G>A on the coding strand, the complement: NDRG1 is on the minus strand). VCF-style: chr8-133238978-C-T. GRCh37 (hg19) VCF-style: chr8-134251221-C-T.
Other names: c.1085G>A, p.Ser362Asn (NM_001135242.2, NM_001374845.1, NM_001374846.1); c.887G>A, p.Ser296Asn (NM_001258432.2, NM_001374847.1); c.842G>A, p.Ser281Asn (NM_001258433.2); c.1136G>A, p.Ser379Asn (NM_001374844.1); short protein forms S362N, S281N, S296N, S379N.
Identifiers: ClinVar variation 543351 (VCV000543351.46), dbSNP rs749124058, ClinGen allele CA4886427.

ClinVar aggregate classification (germline): Uncertain significance. Review status: criteria provided, multiple submitters, no conflicts (2 of 4 stars). 4 submissions from 4 submitters: Uncertain significance (3). 1 of the submissions does not count toward it. Last evaluated 2021-09-01.

Conditions:
Charcot-Marie-Tooth disease type 4. Also called: Charcot-Marie-Tooth disease, type IV; Charcot-Marie-Tooth, Type 4. Identifiers: Orphanet 64749, MedGen C4082197, MONDO:0018995.
Charcot-Marie-Tooth disease type 4D. Also called: Charcot-Marie-Tooth Neuropathy Type 4D; NEUROPATHY, HEREDITARY MOTOR AND SENSORY, LOM TYPE; CHARCOT-MARIE-TOOTH DISEASE, DEMYELINATING, TYPE 4D; CHARCOT-MARIE-TOOTH DISEASE, DEMYELINATING, AUTOSOMAL RECESSIVE, TYPE 4D. Identifiers: Orphanet 99950, MedGen C1832334, MONDO:0011085, OMIM 601455.

Allele frequency attached by ClinVar (database versions not stated): gnomAD exomes below 0.00001 and 0.00001; gnomAD 0.00001; TOPMed 0.00001; ExAC 0.00003.
gnomAD v4.1: 5 of 1,591,926 alleles (0.00031%); highest among the groups gnomAD compares: Non-Finnish European, 0.00043%; no homozygotes.

Submissions (4):

Labcorp Genetics (formerly Invitae), Labcorp
Classification: Uncertain significance for Charcot-Marie-Tooth disease type 4. Last evaluated: 2021-09-01. Review status: criteria provided, single submitter. Criteria: Invitae Variant Classification Sherloc (09022015). Collection method: clinical testing. Allele origin: germline.
Comment: This sequence change replaces serine with asparagine at codon 362 of the NDRG1 protein (p.Ser362Asn). The serine residue is weakly conserved and there is a small physicochemical difference between serine and asparagine. This variant is present in population databases (rs749124058, ExAC 0.005%). This variant has not been reported in the literature in individuals affected with NDRG1-related conditions. Algorithms developed to predict the effect of missense changes on protein structure and function (SIFT, PolyPhen-2, Align-GVGD) all suggest that this variant is likely to be tolerated. In summary, the available evidence is currently insufficient to determine the role of this variant in disease. Therefore, it has been classified as a Variant of Uncertain Significance.

Athena Diagnostics
Classification: Uncertain significance. Last evaluated: 2020-04-30. Review status: criteria provided, single submitter. Criteria: Athena Diagnostics Criteria. Collection method: clinical testing. Allele origin: unknown.

CeGaT Center for Human Genetics Tuebingen
Classification: Uncertain significance. Last evaluated: 2020-03-01. Review status: criteria provided, single submitter. Criteria: CeGaT Center For Human Genetics Tuebingen Variant Classification Criteria Version 2. Collection method: clinical testing. Allele origin: germline. Affected: yes. Observed: 1 variant allele.

Natera, Inc.
Classification: Uncertain significance for Charcot-Marie-Tooth disease type 4D. Last evaluated: 2021-04-21. Review status: no assertion criteria provided. Collection method: clinical testing. Allele origin: germline. Not counted in ClinVar's aggregate classification.